The following is an entry in ClinVar:

NM_001113378.2(FANCI):c.437A>G (p.Tyr146Cys)

Gene: FANCI (FA complementation group I; plus strand). Cytogenetic location: 15q26.1.
Variant type: single nucleotide variant.
Coding change: c.437A>G on transcript NM_001113378.2 (MANE Select); coding-DNA position 437, A replaced by G.
Protein change: p.Tyr146Cys; replaces tyrosine 146 with cysteine.
Molecular consequence: missense variant.
Genome position (GRCh38, 1-based): chr15:89,261,733, A>G. VCF-style: chr15-89261733-A-G. GRCh37 (hg19) VCF-style: chr15-89804964-A-G.
Other names: c.158A>G, p.Tyr53Cys (NM_001376910.1); c.437A>G, p.Tyr146Cys (NM_001376911.1, NM_018193.3); short protein forms Y53C, Y146C.
Identifiers: ClinVar variation 2154946 (VCV002154946.2), dbSNP rs377175261, ClinGen allele CA7722607.
Genomic context (GRCh38, chr15:89,261,733, plus strand): 5'-CTTTGGAGTTACTACCTATCATTCTCACTGCCCTGGCTACGAAAAAGGAAAATCTGGCTT[A>G]TGGAAAAGGTAATTTTCTTCCGACTTTAGTGGCTTTTTCTCTATGCACATAATCAAATTC-3'
Protein context (NP_001106849.1, residues 136-156): ALATKKENLA[Tyr146Cys]GKGVLSGEEC

ClinVar aggregate classification (germline): Uncertain significance. Review status: criteria provided, multiple submitters, no conflicts (2 of 4 stars). 2 submissions from 2 submitters: Uncertain significance (2). Last evaluated 2024-01-13.

Conditions:
Fanconi anemia complementation group I (FANCI). Also called: FANCI-Related Fanconi Anemia. Identifiers: Orphanet 84, MedGen C1836861, MONDO:0012186, OMIM 609053.
Fanconi anemia (FA). Also called: Fanconi's anemia. Identifiers: Orphanet 84, MedGen C0015625, MeSH D005199, MONDO:0019391.

Allele frequency attached by ClinVar (database versions not stated): gnomAD exomes 0.00001; ExAC 0.00005; TOPMed 0.00006; gnomAD 0.00007; ESP Exome Variant Server 0.00015.

Submissions (2):

Fulgent Genetics
Classification: Uncertain significance for Fanconi anemia complementation group I. Last evaluated: 2024-01-13. Review status: criteria provided, single submitter. Criteria: ACMG Guidelines, 2015. Collection method: clinical testing. Allele origin: germline.

Labcorp Genetics (formerly Invitae), Labcorp
Classification: Uncertain significance for Fanconi anemia. Last evaluated: 2022-09-29. Review status: criteria provided, single submitter. Criteria: Invitae Variant Classification Sherloc (09022015). Collection method: clinical testing. Allele origin: germline.
Comment: This sequence change replaces tyrosine, which is neutral and polar, with cysteine, which is neutral and slightly polar, at codon 146 of the FANCI protein (p.Tyr146Cys). This variant is present in population databases (rs377175261, gnomAD 0.04%). This variant has not been reported in the literature in individuals affected with FANCI-related conditions. Advanced modeling of protein sequence and biophysical properties (such as structural, functional, and spatial information, amino acid conservation, physicochemical variation, residue mobility, and thermodynamic stability) performed at Invitae indicates that this missense variant is expected to disrupt FANCI protein function. In summary, the available evidence is currently insufficient to determine the role of this variant in disease. Therefore, it has been classified as a Variant of Uncertain Significance.